The following is an entry in ClinVar:

ClinVar aggregate classification (germline): Uncertain significance (1 of 4 stars; one submission).

Conditions:
Multiple sulfatase deficiency (MSD). Also called: Multiple Sulfatase Deficiency Disease; Sulfatidosis, Juvenile, Austin Type; Mucosulfatidosis. Identifiers: Orphanet 585, MedGen C0268263, MONDO:0010088, OMIM 272200.

Allele frequency attached by ClinVar (database versions not stated): gnomAD 0.00001.
gnomAD v4.1: 1 of 1,613,920 alleles (0.000062%); highest among the groups gnomAD compares: African/African-American, 0.0013%; no homozygotes.

Submission:

Labcorp Genetics (formerly Invitae), Labcorp
Classification: Uncertain significance for Multiple sulfatase deficiency. Last evaluated: 2021-09-24. Review status: criteria provided, single submitter. Criteria: Invitae Variant Classification Sherloc (09022015). Collection method: clinical testing. Allele origin: germline.
Comment: This sequence change replaces tyrosine with cysteine at codon 217 of the SUMF1 protein (p.Tyr217Cys). The tyrosine residue is highly conserved and there is a large physicochemical difference between tyrosine and cysteine. This variant is not present in population databases (ExAC no frequency). This variant has not been reported in the literature in individuals with SUMF1-related conditions. Algorithms developed to predict the effect of missense changes on protein structure and function (SIFT, PolyPhen-2, Align-GVGD) all suggest that this variant is likely to be disruptive, but these predictions have not been confirmed by published functional studies and their clinical significance is uncertain. In summary, the available evidence is currently insufficient to determine the role of this variant in disease. Therefore, it has been classified as a Variant of Uncertain Significance.

NM_182760.4(SUMF1):c.650A>G (p.Tyr217Cys)

Gene: SUMF1 (sulfatase modifying factor 1; minus strand). Cytogenetic location: 3p26.1.
Variant type: single nucleotide variant.
Coding change: c.650A>G on transcript NM_182760.4 (MANE Select); coding-DNA position 650, A replaced by G.
Protein change: p.Tyr217Cys; replaces tyrosine 217 with cysteine.
Molecular consequence: missense variant.
Genome position (GRCh38, 1-based): chr3:4,418,085, T>C on the plus strand (A>G on the coding strand, the complement: SUMF1 is on the minus strand). VCF-style: chr3-4418085-T-C. GRCh37 (hg19) VCF-style: chr3-4459769-T-C.
Other names: c.575A>G, p.Tyr192Cys (NM_001164674.2); c.650A>G, p.Tyr217Cys (NM_001164675.2); short protein forms Y192C, Y217C.
Identifiers: ClinVar variation 2165419 (VCV002165419.1), dbSNP rs1482875477, ClinGen allele CA351632706.